The following is an entry in ClinVar:

NM_005733.3(KIF20A):c.989G>A (p.Arg330Gln)

Gene: KIF20A (kinesin family member 20A; plus strand). Cytogenetic location: 5q31.2.
Variant type: single nucleotide variant.
Coding change: c.989G>A on transcript NM_005733.3 (MANE Select); coding-DNA position 989, G replaced by A.
Protein change: p.Arg330Gln; replaces arginine 330 with glutamine.
Molecular consequence: missense variant.
Genome position (GRCh38, 1-based): chr5:138,183,325, G>A. VCF-style: chr5-138183325-G-A. GRCh37 (hg19) VCF-style: chr5-137519014-G-A.
Other names: short protein forms R330Q.
Identifiers: ClinVar variation 1350263 (VCV001350263.6), dbSNP rs1321940101, ClinGen allele CA361114869.
Genomic context (GRCh38, chr5:138,183,325, plus strand): 5'-ACGAACTGCTTTATGACCTATTAGAACCGCCTAGCCAACAGCGCAAGAGGCAGACTTTGC[G>A]GCTATGCGAGGATCAAAATGGCAATCCCTATGTGAAAGGTAAAGGAACATGGGGAAAGCT-3'
Protein context (NP_005724.1, residues 320-340): PSQQRKRQTL[Arg330Gln]LCEDQNGNPY

ClinVar aggregate classification (germline): Uncertain significance (1 of 4 stars; one submission).

Allele frequency attached by ClinVar (database versions not stated): TOPMed below 0.00001; gnomAD 0.00001; gnomAD exomes 0.00001.

Submission:

Labcorp Genetics (formerly Invitae), Labcorp
Classification: Uncertain significance. Last evaluated: 2025-05-18. Review status: criteria provided, single submitter. Criteria: Invitae Variant Classification Sherloc (09022015). Collection method: clinical testing. Allele origin: germline.
Comment: This sequence change replaces arginine, which is basic and polar, with glutamine, which is neutral and polar, at codon 330 of the KIF20A protein (p.Arg330Gln). This variant is present in population databases (no rsID available, gnomAD 0.01%). This variant has not been reported in the literature in individuals affected with KIF20A-related conditions. ClinVar contains an entry for this variant (Variation ID: 1350263). An algorithm developed to predict the effect of missense changes on protein structure and function (PolyPhen-2) suggests that this variant is likely to be disruptive. In summary, the available evidence is currently insufficient to determine the role of this variant in disease. Therefore, it has been classified as a Variant of Uncertain Significance.